The following is an entry in ClinVar:

NM_145261.4(DNAJC19):c.295A>G (p.Ile99Val)

Gene: DNAJC19 (DnaJ heat shock protein family (Hsp40) member C19; minus strand). Cytogenetic location: 3q26.33.
Variant type: single nucleotide variant.
Coding change: c.295A>G on transcript NM_145261.4 (MANE Select); coding-DNA position 295, A replaced by G.
Protein change: p.Ile99Val; replaces isoleucine 99 with valine.
Molecular consequence: missense variant. On other transcripts: non-coding transcript variant (4).
Genome position (GRCh38, 1-based): chr3:180,984,696, T>C on the plus strand (A>G on the coding strand, the complement: DNAJC19 is on the minus strand). VCF-style: chr3-180984696-T-C. GRCh37 (hg19) VCF-style: chr3-180702484-T-C.
Other names: c.220A>G, p.Ile74Val (NM_001190233.2); c.295A>G (NM_145261.3); short protein forms I74V, I99V.
Identifiers: ClinVar variation 1002196 (VCV001002196.6), dbSNP rs762783413, ClinGen allele CA2717049.

ClinVar aggregate classification (germline): Uncertain significance. Review status: criteria provided, multiple submitters, no conflicts (2 of 4 stars). 2 submissions from 2 submitters: Uncertain significance (2). Last evaluated 2024-05-14.

Conditions:
Inborn genetic diseases. Identifiers: MedGen C0950123, MeSH D030342.
3-methylglutaconic aciduria type 5. Also called: MGA, TYPE V; 3 alpha methylglutaconic aciduria type V; MGA 5; CARDIOMYOPATHY, DILATED, WITH ATAXIA. Identifiers: Orphanet 66634, MedGen C1857776, MONDO:0012435, OMIM 610198.

Allele frequency attached by ClinVar (database versions not stated): gnomAD 0.00001; gnomAD exomes 0.00001 and 0.00002; ExAC 0.00002; TOPMed 0.00002.
gnomAD v4.1: 15 of 1,607,270 alleles (0.00093%); highest among the groups gnomAD compares: Admixed American, 0.0067%; no homozygotes.

Submissions (2):

Ambry Genetics
Classification: Uncertain significance for Inborn genetic diseases. Last evaluated: 2024-05-14. Review status: criteria provided, single submitter. Criteria: Ambry Variant Classification Scheme 2023. Collection method: clinical testing. Allele origin: germline.

Labcorp Genetics (formerly Invitae), Labcorp
Classification: Uncertain significance for 3-methylglutaconic aciduria type 5. Last evaluated: 2022-03-11. Review status: criteria provided, single submitter. Criteria: Invitae Variant Classification Sherloc (09022015). Collection method: clinical testing. Allele origin: germline.
Comment: This sequence change replaces isoleucine, which is neutral and non-polar, with valine, which is neutral and non-polar, at codon 99 of the DNAJC19 protein (p.Ile99Val). This variant is present in population databases (rs762783413, gnomAD 0.01%). This variant has not been reported in the literature in individuals affected with DNAJC19-related conditions. ClinVar contains an entry for this variant (Variation ID: 1002196). Algorithms developed to predict the effect of missense changes on protein structure and function output the following: SIFT: "Tolerated"; PolyPhen-2: "Benign"; Align-GVGD: "Class C0". The valine amino acid residue is found in multiple mammalian species, which suggests that this missense change does not adversely affect protein function. In summary, the available evidence is currently insufficient to determine the role of this variant in disease. Therefore, it has been classified as a Variant of Uncertain Significance.